The following is an entry in ClinVar:

NM_001042492.3(NF1):c.602T>C (p.Phe201Ser)

Gene: NF1 (neurofibromin 1; plus strand). Cytogenetic location: 17q11.2.
Variant type: single nucleotide variant.
Coding change: c.602T>C on transcript NM_001042492.3 (MANE Select); coding-DNA position 602, T replaced by C.
Protein change: p.Phe201Ser; replaces phenylalanine 201 with serine.
Molecular consequence: missense variant.
Genome position (GRCh38, 1-based): chr17:31,181,437, T>C. VCF-style: chr17-31181437-T-C. GRCh37 (hg19) VCF-style: chr17-29508455-T-C.
Other names: c.602T>C, p.Phe201Ser (NM_000267.4, NM_001128147.3); short protein forms F201S.
Identifiers: ClinVar variation 3404694 (VCV003404694.1).

ClinVar aggregate classification (germline): Uncertain significance (1 of 4 stars; one submission).

Conditions:
Hereditary cancer-predisposing syndrome. Also called: Hereditary Cancer Syndrome; Tumor predisposition; Hereditary neoplastic syndrome; Neoplastic Syndromes, Hereditary. Identifiers: Orphanet 140162, MedGen C0027672, MeSH D009386, MONDO:0015356.
Cardiovascular phenotype. Identifiers: MedGen CN230736.

Submission:

Ambry Genetics
Classification: Uncertain significance for Cardiovascular phenotype; Hereditary cancer-predisposing syndrome. Last evaluated: 2024-08-05. Review status: criteria provided, single submitter. Criteria: Ambry Variant Classification Scheme 2023. Collection method: clinical testing. Allele origin: germline.
Comment: The p.F201S variant (also known as c.602T>C), located in coding exon 6 of the NF1 gene, results from a T to C substitution at nucleotide position 602. The phenylalanine at codon 201 is replaced by serine, an amino acid with highly dissimilar properties. This amino acid position is conserved. In addition, this alteration is predicted to be deleterious by in silico analysis. Based on the available evidence, the clinical significance of this variant remains unclear.